The following is an entry in ClinVar:

ClinVar aggregate classification (germline): Uncertain significance (1 of 4 stars; one submission).

Submission:

Labcorp Genetics (formerly Invitae), Labcorp
Classification: Uncertain significance. Last evaluated: 2022-10-04. Review status: criteria provided, single submitter. Criteria: Invitae Variant Classification Sherloc (09022015). Collection method: clinical testing. Allele origin: germline.
Comment: In summary, the available evidence is currently insufficient to determine the role of this variant in disease. Therefore, it has been classified as a Variant of Uncertain Significance. Algorithms developed to predict the effect of missense changes on protein structure and function are either unavailable or do not agree on the potential impact of this missense change (SIFT: "Deleterious"; PolyPhen-2: "Benign"; Align-GVGD: "Class C0"). This variant has not been reported in the literature in individuals affected with ZNF687-related conditions. This variant is not present in population databases (gnomAD no frequency). This sequence change replaces proline, which is neutral and non-polar, with arginine, which is basic and polar, at codon 320 of the ZNF687 protein (p.Pro320Arg).

NM_020832.3(ZNF687):c.959C>G (p.Pro320Arg)

Gene: ZNF687 (zinc finger protein 687; plus strand). Cytogenetic location: 1q21.3.
Variant type: single nucleotide variant.
Coding change: c.959C>G on transcript NM_020832.3 (MANE Select); coding-DNA position 959, C replaced by G.
Protein change: p.Pro320Arg; replaces proline 320 with arginine.
Molecular consequence: missense variant.
Genome position (GRCh38, 1-based): chr1:151,287,250, C>G. VCF-style: chr1-151287250-C-G. GRCh37 (hg19) VCF-style: chr1-151259726-C-G.
Other names: c.959C>G, p.Pro320Arg (NM_001304763.2, NM_001304764.2); short protein forms P320R.
Identifiers: ClinVar variation 2090052 (VCV002090052.4), dbSNP rs754068841, ClinGen allele CA341933975.